The following is an entry in ClinVar:

ClinVar aggregate classification (germline): Conflicting classifications of pathogenicity. Review status: criteria provided, conflicting classifications (1 of 4 stars). 3 submissions from 3 submitters: Uncertain significance (2); Benign (1). Last evaluated 2026-04-22.

Conditions:
SETX-related disorder. Also called: SETX-related disorders; SETX-related condition. Identifiers: MedGen CN239403.
Spinocerebellar ataxia, autosomal recessive, with axonal neuropathy 2 (SCAN2). Also called: Ataxia with Oculomotor Apraxia Type 2; Ataxia with Oculomotor Apraxia; ATAXIA-OCULOMOTOR APRAXIA 2; Ataxia-ocular apraxia-2. Identifiers: Orphanet 64753, MedGen C1853761, MONDO:0018996, OMIM 606002.
Amyotrophic lateral sclerosis type 4 (ALS4). Also called: NEURONOPATHY, DISTAL HEREDITARY MOTOR, WITH PYRAMIDAL FEATURES; AMYOTROPHIC LATERAL SCLEROSIS 4, JUVENILE. Identifiers: Orphanet 357043, MedGen C1865409, MONDO:0011223, OMIM 602433.

Allele frequency attached by ClinVar (database versions not stated): gnomAD exomes 0.00001 and 0.00003; ExAC 0.00002; TOPMed 0.00006; gnomAD 0.00009; ESP Exome Variant Server 0.00015; 1000 Genomes Project 30x 0.00016; 1000 Genomes Project 0.00020.
gnomAD v4.1: 22 of 1,612,798 alleles (0.0014%); highest among the groups gnomAD compares: African/African-American, 0.028%; no homozygotes.

Submissions (3):

PreventionGenetics, part of Exact Sciences
Classification: Uncertain significance for SETX-related condition. Last evaluated: 2026-04-22. Review status: criteria provided, single submitter. Criteria: ACMG Guidelines, 2015. Collection method: clinical testing. Allele origin: germline.
Comment: The SETX c.5852A>G variant is predicted to result in the amino acid substitution p.His1951Arg. To our knowledge, this variant has not been reported in the literature. This variant is reported in 0.048% of alleles in individuals of African descent in gnomAD. Although we suspect that this variant may be benign, at this time, the clinical significance of this variant is uncertain due to the absence of conclusive functional and genetic evidence.

Labcorp Genetics (formerly Invitae), Labcorp
Classification: Benign for Amyotrophic lateral sclerosis type 4; Spinocerebellar ataxia, autosomal recessive, with axonal neuropathy 2. Last evaluated: 2022-08-05. Review status: criteria provided, single submitter. Criteria: Invitae Variant Classification Sherloc (09022015). Collection method: clinical testing. Allele origin: germline.

Athena Diagnostics
Classification: Uncertain significance. Last evaluated: 2019-11-01. Review status: criteria provided, single submitter. Criteria: Athena Diagnostics Criteria. Collection method: clinical testing. Allele origin: unknown.

NM_015046.7(SETX):c.5852A>G (p.His1951Arg)

Gene: SETX (senataxin; minus strand). Cytogenetic location: 9q34.13.
Variant type: single nucleotide variant.
Coding change: c.5852A>G on transcript NM_015046.7 (MANE Select); coding-DNA position 5852, A replaced by G.
Protein change: p.His1951Arg; replaces histidine 1951 with arginine.
Molecular consequence: missense variant.
Genome position (GRCh38, 1-based): chr9:132,296,984, T>C on the plus strand (A>G on the coding strand, the complement: SETX is on the minus strand). VCF-style: chr9-132296984-T-C. GRCh37 (hg19) VCF-style: chr9-135172371-T-C.
Other names: c.5852A>G, p.His1951Arg (NM_001351527.2, NM_001351528.2); short protein forms H1951R.
Identifiers: ClinVar variation 994761 (VCV000994761.7), dbSNP rs146593865, ClinGen allele CA5296886.